The following is an entry in ClinVar:

NM_001099289.3(SH3RF3):c.1010G>A (p.Cys337Tyr)

Genes: RANBP2 (RAN binding protein 2; plus strand), SH3RF3 (SH3 domain containing ring finger 3; plus strand). Cytogenetic location: 2q13.
Variant type: single nucleotide variant.
Coding change: c.1010G>A on transcript NM_001099289.3 (MANE Select); coding-DNA position 1010, G replaced by A.
Protein change: p.Cys337Tyr; replaces cysteine 337 with tyrosine.
Molecular consequence: missense variant.
Genome position (GRCh38, 1-based): chr2:109,398,654, G>A. VCF-style: chr2-109398654-G-A. GRCh37 (hg19) VCF-style: chr2-110015110-G-A.
Other names: short protein forms C337Y.
Identifiers: ClinVar variation 3161403 (VCV003161403.1), dbSNP rs769161547, ClinGen allele CA348057539.
Genomic context (GRCh38, chr2:109,398,654, plus strand): 5'-ATGACTCCGCCAAGCAGCTCATTGAGATGGACAAGCCATGCCCAGCCGCTGCATCCAGCT[G>A]CAATGCCTCCCTGCCCTCTGACTCCGGCGCTGTGGCCAGCGTGGCCCCAAGTCCCACTTT-3'
Protein context (NP_001092759.1, residues 327-347): DKPCPAAASS[Cys337Tyr]NASLPSDSGA

ClinVar aggregate classification (germline): Uncertain significance (1 of 4 stars; one submission).

Allele frequency attached by ClinVar (database versions not stated): gnomAD 0.00001.
gnomAD v4.1: 3 of 1,604,940 alleles (0.00019%); highest among the groups gnomAD compares: East Asian, 0.0045%; no homozygotes.

Submission:

Ambry Genetics
Classification: Uncertain significance. Last evaluated: 2023-12-08. Review status: criteria provided, single submitter. Criteria: Ambry Variant Classification Scheme 2023. Collection method: clinical testing. Allele origin: germline.
Comment: The c.1010G>A (p.C337Y) alteration is located in exon (coding exon ) of the SH3RF3 gene. This alteration results from a G to A substitution at nucleotide position 1010, causing the cysteine (C) at amino acid position 337 to be replaced by a tyrosine (Y). Based on insufficient or conflicting evidence, the clinical significance of this alteration remains unclear.